The following is an entry in ClinVar:

NM_003060.4(SLC22A5):c.1670T>C (p.Phe557Ser)

Gene: SLC22A5 (solute carrier family 22 member 5; plus strand). Cytogenetic location: 5q31.1.
Variant type: single nucleotide variant.
Coding change: c.1670T>C on transcript NM_003060.4 (MANE Select); coding-DNA position 1670, T replaced by C.
Protein change: p.Phe557Ser; replaces phenylalanine 557 with serine.
Molecular consequence: missense variant.
Genome position (GRCh38, 1-based): chr5:132,394,268, T>C. VCF-style: chr5-132394268-T-C. GRCh37 (hg19) VCF-style: chr5-131729960-T-C.
Other names: c.1742T>C, p.Phe581Ser (NM_001308122.2); short protein forms F557S, F581S.
Identifiers: ClinVar variation 3359464 (VCV003359464.1).

ClinVar aggregate classification (germline): Uncertain significance (1 of 4 stars; one submission).

Submission:

GeneDx
Classification: Uncertain significance. Last evaluated: 2023-06-05. Review status: criteria provided, single submitter. Criteria: GeneDx Variant Classification Process June 2021. Collection method: clinical testing. Allele origin: germline. Affected: yes.
Comment: Not observed at significant frequency in large population cohorts (gnomAD); In silico analysis supports that this missense variant does not alter protein structure/function; Has not been previously published as pathogenic or benign to our knowledge